The following is an entry in ClinVar:

NM_006231.4(POLE):c.2344G>A (p.Ala782Thr)

Gene: POLE (DNA polymerase epsilon, catalytic subunit; minus strand). Cytogenetic location: 12q24.33.
Variant type: single nucleotide variant.
Coding change: c.2344G>A on transcript NM_006231.4 (MANE Select); coding-DNA position 2344, G replaced by A.
Protein change: p.Ala782Thr; replaces alanine 782 with threonine.
Molecular consequence: missense variant.
Genome position (GRCh38, 1-based): chr12:132,665,426, C>T on the plus strand (G>A on the coding strand, the complement: POLE is on the minus strand). VCF-style: chr12-132665426-C-T. GRCh37 (hg19) VCF-style: chr12-133242012-C-T.
Other names: short protein forms A782T.
Identifiers: ClinVar variation 3661633 (VCV003661633.2).

ClinVar aggregate classification (germline): Uncertain significance (1 of 4 stars; one submission).

Submission:

Labcorp Genetics (formerly Invitae), Labcorp
Classification: Uncertain significance. Last evaluated: 2025-09-16. Review status: criteria provided, single submitter. Criteria: Invitae Variant Classification Sherloc (09022015). Collection method: clinical testing. Allele origin: germline.
Comment: This sequence change replaces alanine, which is neutral and non-polar, with threonine, which is neutral and polar, at codon 782 of the POLE protein (p.Ala782Thr). This variant is not present in population databases (gnomAD no frequency). This variant has not been reported in the literature in individuals affected with POLE-related conditions. ClinVar contains an entry for this variant (Variation ID: 3661633). Invitae Evidence Modeling of protein sequence and biophysical properties (such as structural, functional, and spatial information, amino acid conservation, physicochemical variation, residue mobility, and thermodynamic stability) indicates that this missense variant is not expected to disrupt POLE protein function with a negative predictive value of 80%. In summary, the available evidence is currently insufficient to determine the role of this variant in disease. Therefore, it has been classified as a Variant of Uncertain Significance.